The following is an entry in ClinVar:

NM_005219.5(DIAPH1):c.2846A>G (p.Gln949Arg)

Gene: DIAPH1 (diaphanous related formin 1; minus strand). Cytogenetic location: 5q31.3.
Variant type: single nucleotide variant.
Coding change: c.2846A>G on transcript NM_005219.5 (MANE Select); coding-DNA position 2846, A replaced by G.
Protein change: p.Gln949Arg; replaces glutamine 949 with arginine.
Molecular consequence: missense variant.
Genome position (GRCh38, 1-based): chr5:141,528,874, T>C on the plus strand (A>G on the coding strand, the complement: DIAPH1 is on the minus strand). VCF-style: chr5-141528874-T-C. GRCh37 (hg19) VCF-style: chr5-140908441-T-C.
Other names: c.2819A>G, p.Gln940Arg (NM_001079812.3); c.2846A>G, p.Gln949Arg (NM_001314007.2); c.2846A>G (NM_005219.4); short protein forms Q940R, Q949R.
Identifiers: ClinVar variation 1016091 (VCV001016091.10), dbSNP rs775424355, ClinGen allele CA3478938.

ClinVar aggregate classification (germline): Uncertain significance. Review status: criteria provided, multiple submitters, no conflicts (2 of 4 stars). 2 submissions from 2 submitters: Uncertain significance (2). Last evaluated 2026-01-12.

Conditions:
Inborn genetic diseases. Identifiers: MedGen C0950123, MeSH D030342.
Progressive microcephaly-seizures-cortical blindness-developmental delay syndrome. Also called: Seizures, cortical blindness, and microcephaly syndrome. Identifiers: Orphanet 477814, MedGen C5567650, MONDO:0014714, OMIM 616632.
Autosomal dominant nonsyndromic hearing loss 1. Also called: KONIGSMARK SYNDROME; DEAFNESS, AUTOSOMAL DOMINANT 1, WITH OR WITHOUT THROMBOCYTOPENIA. Identifiers: Orphanet 90635, MedGen C1852282, MONDO:0007424, OMIM 124900.

Allele frequency attached by ClinVar (database versions not stated): gnomAD exomes 0.00003 and 0.00014; TOPMed 0.00003; ExAC 0.00009.

Submissions (2):

Labcorp Genetics (formerly Invitae), Labcorp
Classification: Uncertain significance for Progressive microcephaly-seizures-cortical blindness-developmental delay syndrome; Autosomal dominant nonsyndromic hearing loss 1. Last evaluated: 2026-01-12. Review status: criteria provided, single submitter. Criteria: Invitae Variant Classification Sherloc (09022015). Collection method: clinical testing. Allele origin: germline.
Comment: This sequence change replaces glutamine, which is neutral and polar, with arginine, which is basic and polar, at codon 949 of the DIAPH1 protein (p.Gln949Arg). This variant is present in population databases (rs775424355, gnomAD 0.1%). This variant has not been reported in the literature in individuals affected with DIAPH1-related conditions. ClinVar contains an entry for this variant (Variation ID: 1016091). An algorithm developed to predict the effect of missense changes on protein structure and function (PolyPhen-2) suggests that this variant is likely to be disruptive. In summary, the available evidence is currently insufficient to determine the role of this variant in disease. Therefore, it has been classified as a Variant of Uncertain Significance.

Ambry Genetics
Classification: Uncertain significance for Inborn genetic diseases. Last evaluated: 2021-07-15. Review status: criteria provided, single submitter. Criteria: Ambry Variant Classification Scheme 2023. Collection method: clinical testing. Allele origin: germline.